The following is an entry in ClinVar:

ClinVar aggregate classification (germline): Uncertain significance (1 of 4 stars; one submission).

Allele frequency attached by ClinVar (database versions not stated): gnomAD 0.00003; TOPMed 0.00003.
gnomAD v4.1: 4 of 1,614,050 alleles (0.00025%); highest among the groups gnomAD compares: African/African-American, 0.0053%; no homozygotes.

Submission:

Labcorp Genetics (formerly Invitae), Labcorp
Classification: Uncertain significance. Last evaluated: 2022-07-26. Review status: criteria provided, single submitter. Criteria: Invitae Variant Classification Sherloc (09022015). Collection method: clinical testing. Allele origin: germline.
Comment: Algorithms developed to predict the effect of missense changes on protein structure and function output the following: SIFT: "Tolerated"; PolyPhen-2: "Benign"; Align-GVGD: "Class C0". The proline amino acid residue is found in multiple mammalian species, which suggests that this missense change does not adversely affect protein function. In summary, the available evidence is currently insufficient to determine the role of this variant in disease. Therefore, it has been classified as a Variant of Uncertain Significance. This variant has not been reported in the literature in individuals affected with TRPM1-related conditions. This variant is present in population databases (no rsID available, gnomAD 0.02%). This sequence change replaces leucine, which is neutral and non-polar, with proline, which is neutral and non-polar, at codon 1326 of the TRPM1 protein (p.Leu1326Pro).

NM_001252024.2(TRPM1):c.4043T>C (p.Leu1348Pro)

Gene: TRPM1 (transient receptor potential cation channel subfamily M member 1; minus strand). Cytogenetic location: 15q13.3.
Variant type: single nucleotide variant.
Coding change: c.4043T>C on transcript NM_001252024.2 (MANE Select); coding-DNA position 4043, T replaced by C.
Protein change: p.Leu1348Pro; replaces leucine 1348 with proline.
Molecular consequence: missense variant.
Genome position (GRCh38, 1-based): chr15:31,002,657, A>G on the plus strand (T>C on the coding strand, the complement: TRPM1 is on the minus strand). VCF-style: chr15-31002657-A-G. GRCh37 (hg19) VCF-style: chr15-31294860-A-G.
Other names: c.4094T>C, p.Leu1365Pro (NM_001252020.2); c.3977T>C, p.Leu1326Pro (NM_002420.6); short protein forms L1365P, L1348P, L1326P.
Identifiers: ClinVar variation 2087896 (VCV002087896.3), dbSNP rs1034593924, ClinGen allele CA267497026.